The following is an entry in ClinVar:

ClinVar aggregate classification (germline): Pathogenic (1 of 4 stars; one submission).

Conditions:
Familial cancer of breast. Also called: Hereditary breast cancer; BREAST CANCER, FAMILIAL; hereditary breast carcinoma. Identifiers: Orphanet 227535, MedGen C0346153, MONDO:0016419, OMIM 114480. Disease mechanism: loss of function.

Submission:

Myriad Genetics, Inc.
Classification: Pathogenic for Familial cancer of breast. Last evaluated: 2023-09-07. Review status: criteria provided, single submitter. Criteria: Myriad Autosomal Dominant, Autosomal Recessive and X-Linked Classification Criteria (2023). Collection method: clinical testing. Allele origin: unknown.
Comment: This variant is considered pathogenic. This variant creates a frameshift predicted to result in premature protein truncation.

NM_024675.4(PALB2):c.1082del (p.Thr361fs)

Gene: PALB2 (partner and localizer of BRCA2; minus strand). Cytogenetic location: 16p12.2.
Variant type: Deletion.
Coding change: c.1082del on transcript NM_024675.4 (MANE Select); coding-DNA position 1082, one base deleted (C; older notation c.1082delC).
Protein change: p.Thr361fs; shifts the reading frame from threonine 361.
Molecular consequence: frameshift variant. On other transcripts: intron variant (3).
Genome position (GRCh38, 1-based): chr16:23,635,464, G deleted on the plus strand (C on the coding strand, the reverse complement: PALB2 is on the minus strand). VCF-style (leftmost placement, unchanged base first): chr16-23635463-AG-A. GRCh37 (hg19) VCF-style: chr16-23646784-AG-A.
Other names: c.1022del, p.Thr341fs (NM_001407296.1); c.1082del, p.Thr361fs (NM_001407297.1, NM_001407298.1, NM_001407299.1 and 3 more transcripts); c.197del, p.Thr66fs (NM_001407304.1, NM_001407305.1, NM_001407306.1 and 5 more transcripts); c.48+5646del (NM_001407314.1); c.-104-4995del (NM_001407313.1, NM_001407312.1); short protein forms T341fs, T361fs, T66fs.
Identifiers: ClinVar variation 2674159 (VCV002674159.1), dbSNP rs2506489655, ClinGen allele CA2695197512.